The following is an entry in ClinVar:

ClinVar aggregate classification (germline): Uncertain significance. Review status: criteria provided, multiple submitters, no conflicts (2 of 4 stars). 6 submissions from 6 submitters: Uncertain significance (5). 1 of the submissions does not count toward it. Last evaluated 2025-12-19.

Conditions:
Inborn genetic diseases. Identifiers: MedGen C0950123, MeSH D030342.
Usher syndrome type 1C. Also called: USHER SYNDROME, TYPE I, ACADIAN VARIETY. Identifiers: Orphanet 231169, Orphanet 886, MedGen C1848604, MONDO:0010171, OMIM 276904.
Usher syndrome type 1 (USH1). Also called: RETINITIS PIGMENTOSA AND CONGENITAL DEAFNESS. Identifiers: Orphanet 231169, Orphanet 886, MedGen C1568247, MONDO:0010168, OMIM 276900.
Autosomal recessive nonsyndromic hearing loss 18A. Also called: Deafness, autosomal recessive 18A; DEAFNESS, AUTOSOMAL RECESSIVE 18. Identifiers: Orphanet 90636, MedGen C1865870, MONDO:0011192, OMIM 602092.

Allele frequency attached by ClinVar (database versions not stated): gnomAD 0.00007 and 0.00006; TOPMed 0.00007; ESP Exome Variant Server 0.00008; gnomAD exomes 0.00004.
gnomAD v4.1: 87 of 1,614,014 alleles (0.0054%); highest among the groups gnomAD compares: East Asian, 0.016%; no homozygotes.

Submissions (6):

GeneDx
Classification: Uncertain significance. Last evaluated: 2025-12-19. Review status: criteria provided, single submitter. Criteria: GeneDx Variant Classification Process June 2021. Collection method: clinical testing. Allele origin: germline.
Comment: In silico analysis supports that this missense variant has a deleterious effect on protein structure/function; Has not been previously published as pathogenic or benign to our knowledge

Blueprint Genetics
Classification: Uncertain significance. Last evaluated: 2024-11-27. Review status: criteria provided, single submitter. Criteria: ACMG Guidelines, 2015. Collection method: clinical testing. Allele origin: germline.

Labcorp Genetics (formerly Invitae), Labcorp
Classification: Uncertain significance. Last evaluated: 2022-09-06. Review status: criteria provided, single submitter. Criteria: Invitae Variant Classification Sherloc (09022015). Collection method: clinical testing. Allele origin: germline.
Comment: This sequence change replaces glycine, which is neutral and non-polar, with serine, which is neutral and polar, at codon 121 of the USH1C protein (p.Gly121Ser). This variant is present in population databases (rs377510653, gnomAD 0.01%). This variant has not been reported in the literature in individuals affected with USH1C-related conditions. ClinVar contains an entry for this variant (Variation ID: 968559). Algorithms developed to predict the effect of missense changes on protein structure and function output the following: SIFT: "Deleterious"; PolyPhen-2: "Possibly Damaging"; Align-GVGD: "Class C55". The serine amino acid residue is found in multiple mammalian species, which suggests that this missense change does not adversely affect protein function. In summary, the available evidence is currently insufficient to determine the role of this variant in disease. Therefore, it has been classified as a Variant of Uncertain Significance.

Ambry Genetics
Classification: Uncertain significance for Inborn genetic diseases. Last evaluated: 2022-08-02. Review status: criteria provided, single submitter. Criteria: Ambry Variant Classification Scheme 2023. Collection method: clinical testing. Allele origin: germline.

Fulgent Genetics
Classification: Uncertain significance for Usher syndrome type 1; Usher syndrome type 1C; Autosomal recessive nonsyndromic hearing loss 18A. Last evaluated: 2021-12-07. Review status: criteria provided, single submitter. Criteria: ACMG Guidelines, 2015. Collection method: clinical testing. Allele origin: unknown.

Natera, Inc.
Classification: Uncertain significance for Usher syndrome type 1C. Last evaluated: 2020-06-17. Review status: no assertion criteria provided. Collection method: clinical testing. Allele origin: germline. Not counted in ClinVar's aggregate classification.

NM_153676.4(USH1C):c.361G>A (p.Gly121Ser)

Gene: USH1C (USH1 protein network component harmonin; minus strand). Cytogenetic location: 11p15.1.
Variant type: single nucleotide variant.
Coding change: c.361G>A on transcript NM_153676.4 (MANE Select); coding-DNA position 361, G replaced by A.
Protein change: p.Gly121Ser; replaces glycine 121 with serine.
Molecular consequence: missense variant. On other transcripts: non-coding transcript variant (1).
Genome position (GRCh38, 1-based): chr11:17,531,180, C>T on the plus strand (G>A on the coding strand, the complement: USH1C is on the minus strand). VCF-style: chr11-17531180-C-T. GRCh37 (hg19) VCF-style: chr11-17552727-C-T.
Other names: c.361G>A, p.Gly121Ser (NM_001297764.2, NM_005709.4); short protein forms G121S.
Identifiers: ClinVar variation 968559 (VCV000968559.8), dbSNP rs377510653, ClinGen allele CA5905089.